The following is an entry in ClinVar:

NM_003079.5(SMARCE1):c.157-5C>T

Gene: SMARCE1 (SWI/SNF related BAF chromatin remodeling complex subunit E1; minus strand). Cytogenetic location: 17q21.2.
Variant type: single nucleotide variant.
Coding change: c.157-5C>T on transcript NM_003079.5 (MANE Select); 5 bases into the intron before coding-DNA position 157, C replaced by T.
Molecular consequence: intron variant.
Genome position (GRCh38, 1-based): chr17:40,637,577, G>A on the plus strand (C>T on the coding strand, the complement: SMARCE1 is on the minus strand). VCF-style: chr17-40637577-G-A. GRCh37 (hg19) VCF-style: chr17-38793829-G-A.
Identifiers: ClinVar variation 414266 (VCV000414266.19), dbSNP rs776664220, ClinGen allele CA8545296.

ClinVar aggregate classification (germline): Conflicting classifications of pathogenicity. Review status: criteria provided, conflicting classifications (1 of 4 stars). 3 submissions from 3 submitters: Uncertain significance (1); Likely benign (1). 1 of the submissions does not count toward it. Last evaluated 2025-12-29.

Conditions:
SMARCE1-related disorder. Also called: SMARCE1-related condition.
Familial meningioma. Also called: Meningioma, familial, susceptibility to. Identifiers: Orphanet 263662, MedGen C3551915, MONDO:0011789, OMIM 607174.
Hereditary cancer-predisposing syndrome. Also called: Neoplastic Syndromes, Hereditary; Tumor predisposition; Hereditary Cancer Syndrome; Hereditary neoplastic syndrome. Identifiers: Orphanet 140162, MedGen C0027672, MeSH D009386, MONDO:0015356.

Allele frequency attached by ClinVar (database versions not stated): ExAC 0.00001; gnomAD 0.00001 and 0.00003; gnomAD exomes 0.00002 and 0.00003; TOPMed 0.00002.

Submissions (3):

Labcorp Genetics (formerly Invitae), Labcorp
Classification: Likely benign for Familial meningioma. Last evaluated: 2025-12-29. Review status: criteria provided, single submitter. Criteria: Invitae Variant Classification Sherloc (09022015). Collection method: clinical testing. Allele origin: germline.

Ambry Genetics
Classification: Uncertain significance for Hereditary cancer-predisposing syndrome. Last evaluated: 2024-06-27. Review status: criteria provided, single submitter. Criteria: Ambry Variant Classification Scheme 2023. Collection method: clinical testing. Allele origin: germline.
Comment: The c.157-5C>T intronic variant results from a C to T substitution 5 nucleotides upstream from coding exon 4 in the SMARCE1 gene. This nucleotide position is poorly conserved in available vertebrate species. In silico splice site analysis predicts that this alteration will not have any significant effect on splicing. Since supporting evidence is limited at this time, the clinical significance of this alteration remains unclear.

PreventionGenetics, part of Exact Sciences
Classification: Likely benign for SMARCE1-related condition. Last evaluated: 2023-03-06. Review status: no assertion criteria provided. Collection method: clinical testing. Allele origin: germline. Not counted in ClinVar's aggregate classification.
Comment: This variant is classified as likely benign based on ACMG/AMP sequence variant interpretation guidelines (Richards et al. 2015 PMID: 25741868, with internal and published modifications).